The following is an entry in ClinVar:

NM_000051.4(ATM):c.5762G>A (p.Arg1921Lys)

Gene: ATM (ATM serine/threonine kinase; plus strand). Cytogenetic location: 11q22.3.
Variant type: single nucleotide variant.
Coding change: c.5762G>A on transcript NM_000051.4 (MANE Select); coding-DNA position 5762, G replaced by A.
Protein change: p.Arg1921Lys; replaces arginine 1921 with lysine.
Molecular consequence: missense variant.
Genome position (GRCh38, 1-based): chr11:108,307,984, G>A. VCF-style: chr11-108307984-G-A. GRCh37 (hg19) VCF-style: chr11-108178711-G-A.
Other names: c.5762G>A, p.Arg1921Lys (NM_001351834.2); short protein forms R1921K.
Identifiers: ClinVar variation 2587781 (VCV002587781.4), dbSNP rs2547006471, ClinGen allele CA382548026.

ClinVar aggregate classification (germline): Conflicting classifications of pathogenicity. Review status: criteria provided, conflicting classifications (1 of 4 stars). 2 submissions from 2 submitters: Likely pathogenic (1); Uncertain significance (1). Last evaluated 2024-08-27.

Conditions:
Ataxia-telangiectasia syndrome (AT). Also called: Cerebello-oculocutaneous telangiectasia; Immunodeficiency with ataxia telangiectasia; Ataxia-telangiectasia, complementation group D; ATAXIA-TELANGIECTASIA, COMPLEMENTATION GROUP A; ATAXIA-TELANGIECTASIA, FRESNO VARIANT; Ataxia-telangiectasia. Identifiers: Orphanet 100, MedGen C0004135, MONDO:0008840, OMIM 208900.
Hereditary cancer-predisposing syndrome. Also called: Tumor predisposition; Neoplastic Syndromes, Hereditary; Hereditary Cancer Syndrome; Hereditary neoplastic syndrome. Identifiers: Orphanet 140162, MedGen C0027672, MeSH D009386, MONDO:0015356.

Submissions (2):

Labcorp Genetics (formerly Invitae), Labcorp
Classification: Uncertain significance for Ataxia-telangiectasia syndrome. Last evaluated: 2024-08-27. Review status: criteria provided, single submitter. Criteria: Invitae Variant Classification Sherloc (09022015). Collection method: clinical testing. Allele origin: germline.
Comment: This sequence change replaces arginine, which is basic and polar, with lysine, which is basic and polar, at codon 1921 of the ATM protein (p.Arg1921Lys). This variant also falls at the last nucleotide of exon 38, which is part of the consensus splice site for this exon. This variant is not present in population databases (gnomAD no frequency). This variant has not been reported in the literature in individuals affected with ATM-related conditions. ClinVar contains an entry for this variant (Variation ID: 2587781). An algorithm developed to predict the effect of missense changes on protein structure and function (PolyPhen-2) suggests that this variant is likely to be tolerated. Variants that disrupt the consensus splice site are a relatively common cause of aberrant splicing (PMID: 17576681, 9536098). Algorithms developed to predict the effect of sequence changes on RNA splicing suggest that this variant may disrupt the consensus splice site. In summary, the available evidence is currently insufficient to determine the role of this variant in disease. Therefore, it has been classified as a Variant of Uncertain Significance.

Ambry Genetics
Classification: Likely pathogenic for Hereditary cancer-predisposing syndrome. Last evaluated: 2023-07-31. Review status: criteria provided, single submitter. Criteria: Ambry Variant Classification Scheme 2023. Collection method: clinical testing. Allele origin: germline.
Comment: The c.5762G>A variant (also known as p.R1921K), located in coding exon 37 of the ATM gene, results from a G to A substitution at nucleotide position 5762. The amino acid change results in arginine to lysine at codon 1921, an amino acid with highly similar properties. However, this change occurs in the last base pair of coding exon 37, which makes it likely to have some effect on normal mRNA splicing. This nucleotide position is highly conserved in available vertebrate species. In silico splice site analysis predicts that this alteration will weaken the native splice donor site. RNA studies have demonstrated that this alteration results in abnormal splicing in the set of samples tested (Ambry internal data). Based on the majority of available evidence to date, this variant is likely to be pathogenic.

Literature cited by the submitters: PubMed 17576681 (cited by Labcorp Genetics (formerly Invitae), Labcorp); PubMed 9536098 (cited by Labcorp Genetics (formerly Invitae), Labcorp).